The following is an entry in ClinVar:

NM_000278.5(PAX2):c.8T>A (p.Met3Lys)

Gene: PAX2 (paired box 2; plus strand). Cytogenetic location: 10q24.31.
Variant type: single nucleotide variant.
Coding change: c.8T>A on transcript NM_000278.5 (MANE Select); coding-DNA position 8, T replaced by A.
Protein change: p.Met3Lys; replaces methionine 3 with lysine.
Molecular consequence: missense variant.
Genome position (GRCh38, 1-based): chr10:100,746,268, T>A. VCF-style: chr10-100746268-T-A. GRCh37 (hg19) VCF-style: chr10-102506025-T-A.
Other names: c.101T>A, p.Met34Lys (NM_001304569.2, NM_001374303.1); c.8T>A, p.Met3Lys (NM_003987.5, NM_003988.5, NM_003989.5 and 1 more transcripts); short protein forms M34K, M3K.
Identifiers: ClinVar variation 1379778 (VCV001379778.7), dbSNP rs754968736, ClinGen allele CA378257189.

ClinVar aggregate classification (germline): Uncertain significance. Review status: criteria provided, multiple submitters, no conflicts (2 of 4 stars). 2 submissions from 2 submitters: Uncertain significance (2). Last evaluated 2023-09-25.

Conditions:
Renal coloboma syndrome (PAPRS). Also called: COLOBOMA OF OPTIC NERVE WITH RENAL DISEASE; PAPILLORENAL SYNDROME WITH MILD OCULAR ABNORMALITIES; OPTIC COLOBOMA, VESICOURETERAL REFLUX, AND RENAL ANOMALIES; OPTIC NERVE COLOBOMA WITH RENAL DISEASE; RENAL-COLOBOMA SYNDROME WITH MACULAR ABNORMALITIES; PAPILLORENAL SYNDROME. Identifiers: Orphanet 1475, MedGen C1852759, MONDO:0007352, OMIM 120330.
Focal segmental glomerulosclerosis 7 (FSGS7). Identifiers: Orphanet 656, MedGen C4014925, MONDO:0014451, OMIM 616002.

Submissions (2):

Labcorp Genetics (formerly Invitae), Labcorp
Classification: Uncertain significance for Renal coloboma syndrome; Focal segmental glomerulosclerosis 7. Last evaluated: 2023-09-25. Review status: criteria provided, single submitter. Criteria: Invitae Variant Classification Sherloc (09022015). Collection method: clinical testing. Allele origin: germline.
Comment: In summary, the available evidence is currently insufficient to determine the role of this variant in disease. Therefore, it has been classified as a Variant of Uncertain Significance. Experimental studies and prediction algorithms are not available or were not evaluated, and the functional significance of this variant is currently unknown. ClinVar contains an entry for this variant (Variation ID: 1379778). This variant has not been reported in the literature in individuals affected with PAX2-related conditions. This variant is not present in population databases (gnomAD no frequency). This sequence change replaces methionine with lysine at codon 3 of the PAX2 protein (p.Met3Lys). The methionine residue is moderately conserved and there is a moderate physicochemical difference between methionine and lysine.

Blueprint Genetics
Classification: Uncertain significance. Last evaluated: 2022-04-27. Review status: criteria provided, single submitter. Criteria: ACMG Guidelines, 2015. Collection method: clinical testing. Allele origin: germline.